The following is an entry in ClinVar:

ClinVar aggregate classification (germline): Likely pathogenic (1 of 4 stars; one submission).

Conditions:
Mucopolysaccharidosis, MPS-III-B (MPS3B). Also called: N-ACETYL-ALPHA-D-GLUCOSAMINIDASE DEFICIENCY; NAGLU DEFICIENCY; SANFILIPPO SYNDROME B; MPS III B; MUCOPOLYSACCHARIDOSIS, TYPE IIIB; Mucopolysaccharidosis type IIIB (Sanfilippo B). Identifiers: Orphanet 79270, MedGen C0086648, MONDO:0009656, OMIM 252920.

Submission:

Foundation for Research in Genetics and Endocrinology, FRIGE's Institute of Human Genetics
Classification: Likely pathogenic for Mucopolysaccharidosis, MPS-III-B. Last evaluated: 2022-06-10. Review status: criteria provided, single submitter. Criteria: ACMG Guidelines, 2015. Collection method: clinical testing. Allele origin: germline. Inheritance: Autosomal recessive inheritance. Affected: yes. Observed: 1 variant allele, 1 compound heterozygote.
Comment: A heterozygous single base pair deletion in exon 6 of the NAGLU gene that results in a frameshift and premature truncation of the protein 75 amino acids downstream to codon 732 (p.Leu732SerfsTer75) was detected. The observed variant has not been reported in the 1000 genomes and gnomAD databases. In summary, the variant meets our criteria to be classified as likely pathogenic.

NM_000263.4(NAGLU):c.2194del (p.Leu732fs)

Gene: NAGLU (N-acetyl-alpha-glucosaminidase; plus strand). Cytogenetic location: 17q21.2.
Variant type: Deletion.
Coding change: c.2194del on transcript NM_000263.4 (MANE Select); coding-DNA position 2194, one base deleted (C; older notation c.2194delC).
Protein change: p.Leu732fs; shifts the reading frame from leucine 732.
Molecular consequence: frameshift variant.
Genome position (GRCh38, 1-based): chr17:42,544,200, C deleted; the last of 2 consecutive C bases (chr17:42,544,199-42,544,200); deleting either gives the same sequence. VCF-style (leftmost placement, unchanged base first): chr17-42544198-TC-T. GRCh37 (hg19) VCF-style: chr17-40696216-TC-T.
Other names: p.Leu732SerfsTer75; short protein forms L732fs.
Identifiers: ClinVar variation 4886978 (VCV004886978.1).